The following is an entry in ClinVar:

ClinVar aggregate classification (germline): Uncertain significance (1 of 4 stars; one submission).

Allele frequency attached by ClinVar (database versions not stated): TOPMed below 0.00001; ExAC 0.00001; gnomAD 0.00001.
gnomAD v4.1: 1 of 1,611,690 alleles (0.000062%); highest among the groups gnomAD compares: African/African-American, 0.0013%; no homozygotes.

Submission:

Labcorp Genetics (formerly Invitae), Labcorp
Classification: Uncertain significance. Last evaluated: 2022-07-18. Review status: criteria provided, single submitter. Criteria: Invitae Variant Classification Sherloc (09022015). Collection method: clinical testing. Allele origin: germline.
Comment: This variant occurs in a non-coding region of the PCDH15 gene. It does not change the encoded amino acid sequence of the PCDH15 protein. This variant is present in population databases (rs766171985, gnomAD 0.004%). This variant has not been reported in the literature in individuals affected with PCDH15-related conditions. In summary, the available evidence is currently insufficient to determine the role of this variant in disease. Therefore, it has been classified as a Variant of Uncertain Significance.

NM_001384140.1(PCDH15):c.4672-1672C>T

Gene: PCDH15 (protocadherin related 15; minus strand). Cytogenetic location: 10q21.1.
Variant type: single nucleotide variant.
Coding change: c.4672-1672C>T on transcript NM_001384140.1 (MANE Select); 1672 bases into the intron before coding-DNA position 4672, C replaced by T.
Molecular consequence: intron variant. On other transcripts: 3 prime UTR variant (1), nonsense (2).
Genome position (GRCh38, 1-based): chr10:53,808,802, G>A on the plus strand (C>T on the coding strand, the complement: PCDH15 is on the minus strand). VCF-style: chr10-53808802-G-A. GRCh37 (hg19) VCF-style: chr10-55568562-G-A.
Other names: c.*678C>T (NM_001142770.3); c.5242C>T, p.Gln1748Ter (NM_001354411.2); c.4477-1672C>T (NM_001354420.2); c.4606-1672C>T (NM_001354429.2); c.4483-1672C>T (NM_001142772.2); c.4498-1672C>T (NM_001142771.2); c.5263C>T, p.Gln1755Ter (NM_001142769.4); short protein forms Q1748*, Q1755*.
Identifiers: ClinVar variation 2140745 (VCV002140745.1), dbSNP rs766171985, ClinGen allele CA5504688.
Genomic context (GRCh38, chr10:53,808,802, plus strand): 5'-GGTTTGCATTCTTGCTTCTGTCATACGCTGGTACCTGATAGCCCCATGGACCTCCAGACT[G>A]ACTTTCGCTACTACTGCTACTACTACCTGATTCTGATTCCTCCTCACTTTCCACACCTCC-3'